The following is an entry in ClinVar:

ClinVar aggregate classification (germline): Uncertain significance (1 of 4 stars; one submission).

Conditions:
Lesch-Nyhan syndrome (LNS). Also called: HPRT DEFICIENCY, COMPLETE; Lesch-Nyhan Disease (LND). Identifiers: Orphanet 510, MedGen C0023374, MONDO:0010298, OMIM 300322.
Partial hypoxanthine-guanine phosphoribosyltransferase deficiency. Also called: GOUT, HPRT-RELATED; HPRT DEFICIENCY, PARTIAL; HYPOXANTHINE GUANINE PHOSPHORIBOSYLTRANSFERASE 1 DEFICIENCY, PARTIAL; Kelley-Seegmiller Syndrome; HPRT1 DEFICIENCY, PARTIAL. Identifiers: Orphanet 79233, MedGen C0268117, MONDO:0010299, OMIM 300323.

gnomAD v4.1: 19 of 1,132,428 alleles (0.0017%); highest among the groups gnomAD compares: Non-Finnish European, 0.0012%; no homozygotes.

Submission:

Labcorp Genetics (formerly Invitae), Labcorp
Classification: Uncertain significance for Lesch-Nyhan syndrome; Partial hypoxanthine-guanine phosphoribosyltransferase deficiency. Last evaluated: 2025-03-17. Review status: criteria provided, single submitter. Criteria: Invitae Variant Classification Sherloc (09022015). Collection method: clinical testing. Allele origin: germline.
Comment: This sequence change falls in intron 8 of the HPRT1 gene. It does not directly change the encoded amino acid sequence of the HPRT1 protein. This variant is present in population databases (rs766713407, gnomAD 0.003%). This variant has not been reported in the literature in individuals affected with HPRT1-related conditions. Algorithms developed to predict the effect of sequence changes on RNA splicing suggest that this variant may disrupt the consensus splice site. In summary, the available evidence is currently insufficient to determine the role of this variant in disease. Therefore, it has been classified as a Variant of Uncertain Significance.

NM_000194.3(HPRT1):c.610-5T>A

Gene: HPRT1 (hypoxanthine phosphoribosyltransferase 1; plus strand). Cytogenetic location: Xq26.3.
Variant type: single nucleotide variant.
Coding change: c.610-5T>A on transcript NM_000194.3 (MANE Select); 5 bases into the intron before coding-DNA position 610, T replaced by A.
Molecular consequence: intron variant.
Genome position (GRCh38, 1-based): chrX:134,500,025, T>A. VCF-style: chrX-134500025-T-A. GRCh37 (hg19) VCF-style: chrX-133634055-T-A.
Identifiers: ClinVar variation 4789984 (VCV004789984.1).